The following is an entry in ClinVar:

NM_003628.6(PKP4):c.2863G>T (p.Ala955Ser)

Genes: PKP4 (plakophilin 4; plus strand), PKP4-AS1 (PKP4 antisense RNA 1; minus strand). Cytogenetic location: 2q24.1.
Variant type: single nucleotide variant.
Coding change: c.2863G>T on transcript NM_003628.6 (MANE Select); coding-DNA position 2863, G replaced by T.
Protein change: p.Ala955Ser; replaces alanine 955 with serine.
Molecular consequence: missense variant.
Genome position (GRCh38, 1-based): chr2:158,669,854, G>T. VCF-style: chr2-158669854-G-T. GRCh37 (hg19) VCF-style: chr2-159526366-G-T.
Other names: c.2863G>T, p.Ala955Ser (NM_001005476.4, NM_001377218.1, NM_001377225.1); c.2860G>T, p.Ala954Ser (NM_001304969.3, NM_001377219.1, NM_001377220.1 and 2 more transcripts); c.1834G>T, p.Ala612Ser (NM_001304970.3); c.2857G>T, p.Ala953Ser (NM_001377222.1, NM_001377223.1); c.2854G>T, p.Ala952Ser (NM_001377224.1); short protein forms A612S, A952S, A953S, A954S, A955S.
Identifiers: ClinVar variation 4862020 (VCV004862020.1).
Genomic context (GRCh38, chr2:158,669,854, plus strand): 5'-ATGGCAGCCATCTGCTGTGCTCTGCACGAGGTCACCAGCAAAAACATGGAGAACGCAAAA[G>T]CCCTGGCCGACTCAGGAGGCATAGAGAAGCTGGTGAACATAACCAAAGGCAGGGGCGACA-3'
Protein context (NP_003619.2, residues 945-965): VTSKNMENAK[Ala955Ser]LADSGGIEKL

ClinVar aggregate classification (germline): Uncertain significance (1 of 4 stars; one submission).

gnomAD v4.1: 19 of 1,613,992 alleles (0.0012%); highest among the groups gnomAD compares: Non-Finnish European, 0.000085%; no homozygotes.

Submission:

Ambry Genetics
Classification: Uncertain significance. Last evaluated: 2026-05-24. Review status: criteria provided, single submitter. Criteria: Ambry Variant Classification Scheme 2023. Collection method: clinical testing. Allele origin: germline.
Comment: The p.A955S variant (also known as c.2863G>T), located in coding exon 16 of the PKP4 gene, results from a G to T substitution at nucleotide position 2863. The alanine at codon 955 is replaced by serine, an amino acid with similar properties. This amino acid position is conserved. In addition, this alteration is predicted to be tolerated by in silico analysis. Based on the available evidence, the clinical significance of this variant remains unclear.